The following is an entry in ClinVar:

ClinVar aggregate classification (germline): Likely pathogenic (1 of 4 stars; one submission).

Conditions:
Gaucher disease. Also called: Acute cerebral Gaucher disease; Cerebroside lipidosis syndrome; Gaucher splenomegaly; Sphingolipidosis 1; Glucocerebrosidosis; Glucosylceramidase deficiency. Identifiers: Orphanet 355, MedGen C0017205, MONDO:0018150.

Submission:

Natera, Inc.
Classification: Likely pathogenic for Gaucher disease. Last evaluated: 2024-06-18. Review status: criteria provided, single submitter. Criteria: Natera Variant Classification Schema (03/2026). Collection method: clinical testing. Allele origin: germline.
Comment: The c.491G>A variant in GBA1 is a missense variant predicted to cause substitution of serine to asparagine at amino acid 164. This variant is rare in the general population with a frequency below the threshold expected for the associated phenotype(s). This variant has been observed in one or more individuals affected with the associated recessive disease, as either homozygous or compound heterozygous with a second variant (PMID: 32708003). A different variant at the same position has been determined to be Pathogenic or Likely Pathogenic. Computational prediction algorithms indicate this variant is likely to affect gene or protein function. Given the available evidence, this variant is classified as Likely Pathogenic.

Literature cited by the submitters: PubMed 32708003.

NM_000157.4(GBA1):c.491G>A (p.Ser164Asn)

Genes: GBA1 (glucosylceramidase beta 1; minus strand), LOC106627981 (GBA recombination region; plus strand). Cytogenetic location: 1q22.
Variant type: single nucleotide variant.
Coding change: c.491G>A on transcript NM_000157.4 (MANE Select); coding-DNA position 491, G replaced by A.
Protein change: p.Ser164Asn; replaces serine 164 with asparagine.
Molecular consequence: missense variant.
Genome position (GRCh38, 1-based): chr1:155,238,614, C>T on the plus strand (G>A on the coding strand, the complement: GBA1 is on the minus strand). VCF-style: chr1-155238614-C-T. GRCh37 (hg19) VCF-style: chr1-155208405-C-T.
Other names: c.491G>A, p.Ser164Asn (NM_001005741.3, NM_001005742.3); c.230G>A, p.Ser77Asn (NM_001171811.2); c.344G>A, p.Ser115Asn (NM_001171812.2); short protein forms S115N, S164N, S77N.
Identifiers: ClinVar variation 4817770 (VCV004817770.1).